The following is an entry in ClinVar:

ClinVar aggregate classification (germline): Benign (0 of 4 stars; one submission).

Conditions:
EVA1A-related disorder. Also called: EVA1A-related condition.

Allele frequency attached by ClinVar (database versions not stated): TOPMed 0.00014; ESP Exome Variant Server 0.00038; gnomAD 0.00062; 1000 Genomes Project 30x 0.00078; ExAC 0.00094; 1000 Genomes Project 0.00100.
gnomAD v4.1: 710 of 1,614,254 alleles (0.044%); highest among the groups gnomAD compares: Non-Finnish European, 0.019%; 4 homozygotes.

Submission:

PreventionGenetics, part of Exact Sciences
Classification: Benign for EVA1A-related condition. Last evaluated: 2024-06-28. Review status: no assertion criteria provided. Collection method: clinical testing. Allele origin: germline.
Comment: This variant is classified as benign based on ACMG/AMP sequence variant interpretation guidelines (Richards et al. 2015 PMID: 25741868, with internal and published modifications).

NM_001135032.2(EVA1A):c.233G>A (p.Ser78Asn)

Gene: EVA1A (eva-1 homolog A, regulator of programmed cell death; minus strand). Cytogenetic location: 2p12.
Variant type: single nucleotide variant.
Coding change: c.233G>A on transcript NM_001135032.2 (MANE Select); coding-DNA position 233, G replaced by A.
Protein change: p.Ser78Asn; replaces serine 78 with asparagine.
Molecular consequence: missense variant.
Genome position (GRCh38, 1-based): chr2:75,493,462, C>T on the plus strand (G>A on the coding strand, the complement: EVA1A is on the minus strand). VCF-style: chr2-75493462-C-T. GRCh37 (hg19) VCF-style: chr2-75720588-C-T.
Other names: c.233G>A, p.Ser78Asn (NM_001369524.1, NM_001369525.1, NM_032181.3); short protein forms S78N.
Identifiers: ClinVar variation 3052878 (VCV003052878.2), dbSNP rs146367282, ClinGen allele CA1732373.
Genomic context (GRCh38, chr2:75,493,462, plus strand): 5'-CGCACGGAGAGATCGGACACGGTGTCCTCACTGCCATCCTCGCTGTCGCTGCTGTCGCTG[C>T]TGCTCTCTCTGTCCTGCAGGAACTTCTTCCCGGGACGCCGCCTGCAGTCTGTGTGGCAAG-3'
Protein context (NP_001128504.1, residues 68-88): GKKFLQDRES[Ser78Asn]SDSSDSEDGS